The following is an entry in ClinVar:

NM_005685.4(GTF2IRD1):c.474C>T (p.Leu158=)

Gene: GTF2IRD1 (GTF2I repeat domain containing 1; plus strand). Cytogenetic location: 7q11.23.
Variant type: single nucleotide variant.
Coding change: c.474C>T on transcript NM_005685.4 (MANE Select); coding-DNA position 474, C replaced by T.
Protein change: p.Leu158=; no amino-acid change (leucine 158 retained).
Molecular consequence: synonymous variant.
Genome position (GRCh38, 1-based): chr7:74,518,191, C>T. VCF-style: chr7-74518191-C-T. GRCh37 (hg19) VCF-style: chr7-73932521-C-T.
Other names: c.570C>T, p.Leu190= (NM_001199207.2); c.474C>T, p.Leu158= (NM_016328.3); c.570C>T (NM_001199207.1).
Identifiers: ClinVar variation 725161 (VCV000725161.11), dbSNP rs138935107, ClinGen allele CA4296515.

ClinVar aggregate classification (germline): Likely benign. Review status: criteria provided, multiple submitters, no conflicts (2 of 4 stars). 4 submissions from 4 submitters: Likely benign (3). 1 of the submissions does not count toward it. Last evaluated 2026-02-01.

Conditions:
GTF2IRD1-related disorder. Also called: GTF2IRD1-related condition.

Allele frequency attached by ClinVar (database versions not stated): 1000 Genomes Project 30x 0.00016; 1000 Genomes Project 0.00020; ESP Exome Variant Server 0.00031; gnomAD exomes 0.00035 and 0.00071; ExAC 0.00041; gnomAD 0.00050; TOPMed 0.00053.
gnomAD v4.1: 1,110 of 1,610,186 alleles (0.069%); highest among the groups gnomAD compares: Non-Finnish European, 0.086%; no homozygotes.

Submissions (4):

CeGaT Center for Human Genetics Tuebingen
Classification: Likely benign. Last evaluated: 2026-02-01. Review status: criteria provided, single submitter. Criteria: CeGaT Center For Human Genetics Tuebingen Variant Classification Criteria Version 2. Collection method: clinical testing. Allele origin: germline. Affected: yes. Observed: 1 variant allele.
Comment: GTF2IRD1: BP4, BP7

Labcorp Genetics (formerly Invitae), Labcorp
Classification: Likely benign. Last evaluated: 2019-12-31. Review status: criteria provided, single submitter. Criteria: Invitae Variant Classification Sherloc (09022015). Collection method: clinical testing. Allele origin: germline.

Breakthrough Genomics
Classification: Likely benign. Review status: criteria provided, single submitter. Criteria: ACMG Guidelines, 2015. Collection method: not provided. Allele origin: germline. Inheritance: Unknown mechanism. Affected: yes.

PreventionGenetics, part of Exact Sciences
Classification: Likely benign for GTF2IRD1-related condition. Last evaluated: 2019-12-09. Review status: no assertion criteria provided. Collection method: clinical testing. Allele origin: germline. Not counted in ClinVar's aggregate classification.
Comment: This variant is classified as likely benign based on ACMG/AMP sequence variant interpretation guidelines (Richards et al. 2015 PMID: 25741868, with internal and published modifications).